The following is an entry in ClinVar:

NM_001099287.2(NIPAL4):c.221T>A (p.Val74Asp)

Gene: NIPAL4 (NIPA like domain containing 4; plus strand). Cytogenetic location: 5q33.3.
Variant type: single nucleotide variant.
Coding change: c.221T>A on transcript NM_001099287.2 (MANE Select); coding-DNA position 221, T replaced by A.
Protein change: p.Val74Asp; replaces valine 74 with aspartic acid.
Molecular consequence: missense variant.
Genome position (GRCh38, 1-based): chr5:157,463,277, T>A. VCF-style: chr5-157463277-T-A. GRCh37 (hg19) VCF-style: chr5-156890285-T-A.
Other names: c.221T>A, p.Val74Asp (NM_001172292.2); short protein forms V136D, V74D.
Identifiers: ClinVar variation 638536 (VCV000638536.3), dbSNP rs1581265715, ClinGen allele CA361980278.

ClinVar aggregate classification (germline): Uncertain significance. Review status: criteria provided, single submitter (1 of 4 stars). 2 submissions from 2 submitters: Uncertain significance (1). 1 of the submissions does not count toward it. Last evaluated 2025-03-07.

Conditions:
Autosomal recessive congenital ichthyosis 6 (ARCI6). Identifiers: Orphanet 313, Orphanet 79394, MedGen C2677065, MONDO:0012847, OMIM 612281.

Allele frequency attached by ClinVar (database versions not stated): gnomAD exomes below 0.00001.
gnomAD v4.1: 2 of 1,613,912 alleles (0.00012%); highest among the groups gnomAD compares: Non-Finnish European, 0.00017%; no homozygotes.

Submissions (2):

Women's Health and Genetics/Laboratory Corporation of America, LabCorp
Classification: Uncertain significance. Last evaluated: 2025-03-07. Review status: criteria provided, single submitter. Criteria: LabCorp Variant Classification Summary - May 2015. Collection method: clinical testing. Allele origin: germline.
Comment: Variant summary: NIPAL4 c.221T>A (p.Val74Asp) results in a non-conservative amino acid change in the encoded protein sequence. Five of five in-silico tools predict a damaging effect of the variant on protein function. The variant was absent in 249076 control chromosomes. The available data on variant occurrences in the general population are insufficient to allow any conclusion about variant significance. c.221T>A has been reported in the literature in an individual with symptons consistent with Ichthyosis (e.g., Ballin_2019). This report does not provide unequivocal conclusions about association of the variant with Lamellar Ichthyosis. To our knowledge, no experimental evidence demonstrating an impact on protein function has been reported. The following publication have been ascertained in the context of this evaluation (PMID: 31347739). ClinVar contains an entry for this variant (Variation ID: 638536). Based on the evidence outlined above, the variant was classified as uncertain significance.

Institute for Human Genetics, University Medical Center Freiburg
Classification: Pathogenic for Autosomal recessive congenital ichthyosis 6. Last evaluated: 2019-05-16. Review status: no assertion criteria provided. Collection method: clinical testing. Allele origin: germline. Affected: yes. Not counted in ClinVar's aggregate classification.

Literature cited by the submitters: PubMed 31347739 (cited by Women's Health and Genetics/Laboratory Corporation of America, LabCorp).